The following is an entry in ClinVar:

NM_001267550.2(TTN):c.77100dup (p.Pro25701fs)

Genes: TTN-AS1 (TTN antisense RNA 1; plus strand), TTN (titin; minus strand). Cytogenetic location: 2q31.2.
Variant type: Duplication.
Coding change: c.77100dup on transcript NM_001267550.2 (MANE Select); coding-DNA position 77100, one base duplicated (A; older notation c.77100dupA).
Protein change: p.Pro25701fs; shifts the reading frame from proline 25701.
Molecular consequence: frameshift variant.
Genome position (GRCh38, 1-based): chr2:178,569,032, T duplicated on the plus strand (A on the coding strand, the reverse complement: TTN is on the minus strand); the first of 2 consecutive T bases (chr2:178,569,032-178,569,033); duplicating either gives the same sequence. VCF-style (leftmost placement, unchanged base first): chr2-178569031-G-GT. GRCh37 (hg19) VCF-style: chr2-179433758-G-GT.
Other names: c.72177dupA (NM_001256850.1); c.72177dup, p.Pro24060fs (NM_001256850.1); c.69396dup, p.Pro23133fs (NM_133378.4); c.50280dup, p.Pro16761fs (NM_133432.3); c.50481dup, p.Pro16828fs (NM_133437.4); c.77100dupA (NM_001267550.2); c.49905dupA (NM_003319.4); short protein forms P16761fs, P16828fs, P24060fs, P25701fs, P23133fs.
Identifiers: ClinVar variation 202470 (VCV000202470.11), dbSNP rs794729343, ClinGen allele CA309433.
Genomic context (GRCh38, chr2:178,569,031, plus strand): 5'-TTGTCCAACTCAGAGAGACACTGTTTCTGGTGACATCATCCACAGTTATTTTTCCAGGAG[G>GT]TTGTGGCACTTCTGCAACCTTAATTGGATCAGCAGTCTGGGCAGGAAGGCCAATACCATA-3'

ClinVar aggregate classification (germline): Pathogenic/Likely pathogenic. Review status: criteria provided, multiple submitters, no conflicts (2 of 4 stars). 4 submissions from 4 submitters: Pathogenic (2); Likely pathogenic (2). Last evaluated 2025-05-28.

Conditions:
Cardiovascular phenotype. Identifiers: MedGen CN230736.
Dilated cardiomyopathy 1G (CMD1G). Identifiers: Orphanet 154, MedGen C1858763, MONDO:0011400, OMIM 604145.
Autosomal recessive limb-girdle muscular dystrophy type 2J (LGMDR10). Also called: Limb-girdle muscular dystrophy, type 2J; MUSCULAR DYSTROPHY, LIMB-GIRDLE, AUTOSOMAL RECESSIVE 10. Identifiers: Orphanet 140922, MedGen C1837342, MONDO:0012127, OMIM 608807.

Submissions (4):

Dasa
Classification: Pathogenic. Last evaluated: 2025-05-28. Review status: criteria provided, single submitter. Criteria: DASA Assertion Criteria. Collection method: clinical testing. Allele origin: germline.
Comment: NM_001267550.2(TTN):c.77100dup (p.Pro25701Thrfs*9) introduces a premature termination codon predicted to result in loss of normal protein function. Loss-of-function is an established mechanism of disease for this gene. This variant has been recurrently observed in individuals with related phenotype (PMID: 27353043; PMID: 32815318; PMID: 7353043). The variant is present at low frequency in population datasets. Based on the available data, this variant is classified as pathogenic.

Labcorp Genetics (formerly Invitae), Labcorp
Classification: Likely pathogenic for Dilated cardiomyopathy 1G; Autosomal recessive limb-girdle muscular dystrophy type 2J. Last evaluated: 2025-04-18. Review status: criteria provided, single submitter. Criteria: Invitae Variant Classification Sherloc (09022015). Collection method: clinical testing. Allele origin: germline.
Comment: This sequence change creates a premature translational stop signal (p.Pro25701Thrfs*9) in the TTN gene. While this is not anticipated to result in nonsense mediated decay, it is expected to create a truncated TTN protein. This variant is not present in population databases (gnomAD no frequency). This premature translational stop signal has been observed in individual(s) with dilated cardiomyopathy (PMID: 27353043, 32815318; internal data). This variant is also known as c.49905dup (p.Pro16636Thrfs*9). ClinVar contains an entry for this variant (Variation ID: 202470). This variant is located in the A band of TTN (PMID: 25589632). Truncating variants in this region are significantly overrepresented in patients affected with dilated cardiomyopathy (PMID: 25589632). Truncating variants in this region have also been reported in individuals affected with autosomal recessive centronuclear myopathy (PMID: 23975875). In summary, the currently available evidence indicates that the variant is pathogenic, but additional data are needed to prove that conclusively. Therefore, this variant has been classified as Likely Pathogenic.

Ambry Genetics
Classification: Likely pathogenic for Cardiovascular phenotype. Last evaluated: 2019-09-16. Review status: criteria provided, single submitter. Criteria: Ambry Variant Classification Scheme 2023. Collection method: clinical testing. Allele origin: germline.
Comment: The c.49905dupA variant, located in coding exon 153 of the TTN gene, results from a duplication of A at nucleotide position 49905, causing a translational frameshift with a predicted alternate stop codon (p.P16636Tfs*9). This exon is located in the A-band region of the N2-B isoform of the titin protein and is constitutively expressed in TTN transcripts (percent spliced in or PSI 100%). This variant has been detected in an individual with dilated cardiomyopathy (DCM) and non-compaction; however, details were limited (Fokstuen S et al. Hum. Genomics, 2016 06;10:24). This alteration is expected to result in loss of function by premature protein truncation or nonsense-mediated mRNA decay. While truncating variants in TTN are present in 1-3% of the general population, truncating variants in the A-band are the most common cause of DCM (Herman DS et al. N. Engl. J. Med., 2012 Feb;366:619-28; Roberts AM et al. Sci Transl Med, 2015 Jan;7:270ra6). TTN truncating variants encoded in constitutive exons (PSI >90%) have been found to be significantly associated with DCM regardless of their position in titin (Schafer S et al. Nat. Genet., 2017 01;49:46-53). As such, this alteration is classified as likely pathogenic.

Center of Genomic medicine, Geneva, University Hospital of Geneva
Classification: Pathogenic for Dilated cardiomyopathy 1G. Last evaluated: 2015-09-18. Review status: criteria provided, single submitter. Criteria: ACMG Guidelines, 2015. Collection method: clinical testing. Allele origin: germline. Affected: yes.
Comment: Loss of function mutations of TTN gene are known to cause dilated cardiomyopathy.

Literature cited by the submitters: PubMed 27353043 (cited by 3 submitters); PubMed 32815318 (cited by Dasa and Labcorp Genetics (formerly Invitae), Labcorp); PubMed 7353043 (cited by Dasa); PubMed 25589632 (cited by Labcorp Genetics (formerly Invitae), Labcorp); PubMed 23975875 (cited by Labcorp Genetics (formerly Invitae), Labcorp); PubMed 22335739 (cited by Ambry Genetics).